The following is an entry in ClinVar:

NM_000535.7(PMS2):c.909C>A (p.Cys303Ter)

Gene: PMS2 (PMS1 homolog 2, mismatch repair system component; minus strand). Cytogenetic location: 7p22.1.
Variant type: single nucleotide variant.
Coding change: c.909C>A on transcript NM_000535.7 (MANE Select); coding-DNA position 909, C replaced by A.
Protein change: p.Cys303Ter; replaces cysteine 303 with a stop codon.
Molecular consequence: nonsense. On other transcripts: 5 prime UTR variant (2), non-coding transcript variant (1), intron variant (1).
Genome position (GRCh38, 1-based): chr7:5,992,052, G>T on the plus strand (C>A on the coding strand, the complement: PMS2 is on the minus strand). VCF-style: chr7-5992052-G-T. GRCh37 (hg19) VCF-style: chr7-6031683-G-T.
Other names: c.504C>A, p.Cys168Ter (NM_001018040.1, NM_001322003.2, NM_001322004.2 and 20 more transcripts); c.909C>A, p.Cys303Ter (NM_001322006.2, NM_001322014.2, NM_001406870.1 and 2 more transcripts); c.591C>A, p.Cys197Ter (NM_001322007.2, NM_001322008.2, NM_001406876.1 and 4 more transcripts); c.-25C>A (NM_001322011.2, NM_001322012.2); c.336C>A, p.Cys112Ter (NM_001322013.2, NM_001406909.1); c.600C>A, p.Cys200Ter (NM_001322015.2, NM_001406875.1, NM_001406877.1 and 6 more transcripts); c.1095C>A, p.Cys365Ter (NM_001406866.1); c.933C>A, p.Cys311Ter (NM_001406868.1); and 8 more; short protein forms C112*, C132*, C168*, C181*, C191*, C197*, C200*, C237*.
Identifiers: ClinVar variation 2674220 (VCV002674220.1), dbSNP rs1199497563, ClinGen allele CA366743215.

ClinVar aggregate classification (germline): Pathogenic (1 of 4 stars; one submission).

Conditions:
Lynch syndrome 4 (LYNCH4). Also called: Hereditary non-polyposis colorectal cancer, type 4; Colorectal cancer, hereditary nonpolyposis, type 4. Identifiers: Orphanet 144, MedGen C1838333, MONDO:0013699, OMIM 614337. Disease mechanism: loss of function.

Submission:

Myriad Genetics, Inc.
Classification: Pathogenic for Lynch syndrome 4. Last evaluated: 2023-09-19. Review status: criteria provided, single submitter. Criteria: Myriad Autosomal Dominant, Autosomal Recessive and X-Linked Classification Criteria (2023). Collection method: clinical testing. Allele origin: unknown.
Comment: This variant is considered pathogenic. This variant creates a termination codon and is predicted to result in premature protein truncation.